The following is an entry in ClinVar:

ClinVar aggregate classification (germline): Uncertain significance (1 of 4 stars; one submission).

Submission:

Labcorp Genetics (formerly Invitae), Labcorp
Classification: Uncertain significance. Last evaluated: 2024-12-16. Review status: criteria provided, single submitter. Criteria: Invitae Variant Classification Sherloc (09022015). Collection method: clinical testing. Allele origin: germline.
Comment: This sequence change replaces lysine, which is basic and polar, with arginine, which is basic and polar, at codon 646 of the STAT4 protein (p.Lys646Arg). This variant is not present in population databases (gnomAD no frequency). This variant has not been reported in the literature in individuals affected with STAT4-related conditions. ClinVar contains an entry for this variant (Variation ID: 2965000). An algorithm developed to predict the effect of missense changes on protein structure and function (PolyPhen-2) suggests that this variant is likely to be tolerated. In summary, the available evidence is currently insufficient to determine the role of this variant in disease. Therefore, it has been classified as a Variant of Uncertain Significance.

NM_003151.4(STAT4):c.1937A>G (p.Lys646Arg)

Gene: STAT4 (signal transducer and activator of transcription 4; minus strand). Cytogenetic location: 2q32.2.
Variant type: single nucleotide variant.
Coding change: c.1937A>G on transcript NM_003151.4 (MANE Select); coding-DNA position 1937, A replaced by G.
Protein change: p.Lys646Arg; replaces lysine 646 with arginine.
Molecular consequence: missense variant.
Genome position (GRCh38, 1-based): chr2:191,033,065, T>C on the plus strand (A>G on the coding strand, the complement: STAT4 is on the minus strand). VCF-style: chr2-191033065-T-C. GRCh37 (hg19) VCF-style: chr2-191897791-T-C.
Other names: c.1937A>G, p.Lys646Arg (NM_001243835.2); short protein forms K646R.
Identifiers: ClinVar variation 2965000 (VCV002965000.3), dbSNP rs2470644141, ClinGen allele CA349907326.
Genomic context (GRCh38, chr2:191,033,065, plus strand): 5'-GGAATGTCAGGATATAGGTACTTCAGAGGGTTTTCAGGAATGTTTTCAGCCATAATAACT[T>C]TGTAGTCTCGCAGGATGTCAGCGAATGGCAGAGCAGACAACCGGCCTTTATTGTAGGGTT-3'
Protein context (NP_003142.1, residues 636-656): LPFADILRDY[Lys646Arg]VIMAENIPEN